The following is an entry in ClinVar:

NM_000718.4(CACNA1B):c.5398C>T (p.Arg1800Trp)

Gene: CACNA1B (calcium voltage-gated channel subunit alpha1 B; plus strand). Cytogenetic location: 9q34.3.
Variant type: single nucleotide variant.
Coding change: c.5398C>T on transcript NM_000718.4 (MANE Select); coding-DNA position 5398, C replaced by T.
Protein change: p.Arg1800Trp; replaces arginine 1800 with tryptophan.
Molecular consequence: missense variant.
Genome position (GRCh38, 1-based): chr9:138,105,777, C>T. VCF-style: chr9-138105777-C-T. GRCh37 (hg19) VCF-style: chr9-141000229-C-T.
Other names: c.5398C>T, p.Arg1800Trp (NM_001243812.2); short protein forms R1800W.
Identifiers: ClinVar variation 2130446 (VCV002130446.3), dbSNP rs1284904040, ClinGen allele CA375814186.

ClinVar aggregate classification (germline): Uncertain significance (1 of 4 stars; one submission).

Submission:

Labcorp Genetics (formerly Invitae), Labcorp
Classification: Uncertain significance. Last evaluated: 2022-04-25. Review status: criteria provided, single submitter. Criteria: Invitae Variant Classification Sherloc (09022015). Collection method: clinical testing. Allele origin: germline.
Comment: In summary, the available evidence is currently insufficient to determine the role of this variant in disease. Therefore, it has been classified as a Variant of Uncertain Significance. Advanced modeling of protein sequence and biophysical properties (such as structural, functional, and spatial information, amino acid conservation, physicochemical variation, residue mobility, and thermodynamic stability) performed at Invitae indicates that this missense variant is not expected to disrupt CACNA1B protein function. This variant has not been reported in the literature in individuals affected with CACNA1B-related conditions. This variant is not present in population databases (gnomAD no frequency). This sequence change replaces arginine, which is basic and polar, with tryptophan, which is neutral and slightly polar, at codon 1800 of the CACNA1B protein (p.Arg1800Trp).